The following is an entry in ClinVar:

NM_015910.7(WDPCP):c.2068T>C (p.Ser690Pro)

Gene: WDPCP (WD repeat containing planar cell polarity effector; minus strand). Cytogenetic location: 2p15.
Variant type: single nucleotide variant.
Coding change: c.2068T>C on transcript NM_015910.7 (MANE Select); coding-DNA position 2068, T replaced by C.
Protein change: p.Ser690Pro; replaces serine 690 with proline.
Molecular consequence: missense variant. On other transcripts: non-coding transcript variant (3).
Genome position (GRCh38, 1-based): chr2:63,174,680, A>G on the plus strand (T>C on the coding strand, the complement: WDPCP is on the minus strand). VCF-style: chr2-63174680-A-G. GRCh37 (hg19) VCF-style: chr2-63401815-A-G.
Other names: c.1591T>C, p.Ser531Pro (NM_001042692.3); c.1996T>C, p.Ser666Pro (NM_001354044.2); short protein forms S531P, S666P, S690P.
Identifiers: ClinVar variation 2240187 (VCV002240187.4), dbSNP rs766136478, ClinGen allele CA1682025.
Genomic context (GRCh38, chr2:63,174,680, plus strand): 5'-GTAATACTAAATACTTTATGGAGCAATTTCCTCAGTTCAACATTTCTTACCTGTTAGAAG[A>G]GCCATTCAGTATTCTTTGTTGTAAAATATGTCTGTGGGTTGGGCAAGAGGGAGGGAGGTT-3'
Protein context (NP_056994.3, residues 680-700): HILQQRILNG[Ser690Pro]SNRQIIDRRN

ClinVar aggregate classification (germline): Conflicting classifications of pathogenicity. Review status: criteria provided, conflicting classifications (1 of 4 stars). 3 submissions from 3 submitters: Uncertain significance (1); Likely benign (1). 1 of the submissions does not count toward it. Last evaluated 2024-02-25.

Conditions:
Inborn genetic diseases. Identifiers: MedGen C0950123, MeSH D030342.
Bardet-Biedl syndrome 15 (BBS15). Identifiers: Orphanet 110, MedGen C3150127, MONDO:0014443, OMIM 615992.
Heart defect - tongue hamartoma - polysyndactyly syndrome. Also called: Congenital heart defects, hamartomas of tongue, and polysyndactyly. Identifiers: Orphanet 1338, MedGen C1857587, MONDO:0009008, OMIM 217085.
WDPCP-related disorder. Also called: WDPCP-related condition.

Allele frequency attached by ClinVar (database versions not stated): TOPMed below 0.00001; gnomAD 0.00001; gnomAD exomes 0.00003; ExAC 0.00004.
gnomAD v4.1: 49 of 1,613,804 alleles (0.003%); highest among the groups gnomAD compares: South Asian, 0.032%; no homozygotes.

Submissions (3):

Fulgent Genetics
Classification: Uncertain significance for Heart defect - tongue hamartoma - polysyndactyly syndrome; Bardet-Biedl syndrome 15. Last evaluated: 2024-02-25. Review status: criteria provided, single submitter. Criteria: ACMG Guidelines, 2015. Collection method: clinical testing. Allele origin: germline.

Ambry Genetics
Classification: Likely benign for Inborn genetic diseases. Last evaluated: 2021-08-02. Review status: criteria provided, single submitter. Criteria: Ambry Variant Classification Scheme 2023. Collection method: clinical testing. Allele origin: germline.

PreventionGenetics, part of Exact Sciences
Classification: Uncertain significance for WDPCP-related condition. Last evaluated: 2023-12-19. Review status: no assertion criteria provided. Collection method: clinical testing. Allele origin: germline. Not counted in ClinVar's aggregate classification.
Comment: The WDPCP c.2068T>C variant is predicted to result in the amino acid substitution p.Ser690Pro. To our knowledge, this variant has not been reported in the literature. This variant is reported in 0.029% of alleles in individuals of South Asian descent in gnomAD. At this time, the clinical significance of this variant is uncertain due to the absence of conclusive functional and genetic evidence.